The following is an entry in ClinVar:

ClinVar aggregate classification (germline): Uncertain significance (1 of 4 stars; one submission).

Allele frequency attached by ClinVar (database versions not stated): gnomAD exomes 0.00002.
gnomAD v4.1: 5 of 450,494 alleles (0.0011%); highest among the groups gnomAD compares: Non-Finnish European, 0.0022%; no homozygotes.

Submission:

Labcorp Genetics (formerly Invitae), Labcorp
Classification: Uncertain significance. Last evaluated: 2022-10-25. Review status: criteria provided, single submitter. Criteria: Invitae Variant Classification Sherloc (09022015). Collection method: clinical testing. Allele origin: germline.
Comment: In summary, the available evidence is currently insufficient to determine the role of this variant in disease. Therefore, it has been classified as a Variant of Uncertain Significance. This variant is not present in population databases (gnomAD no frequency). Algorithms developed to predict the effect of sequence changes on RNA splicing suggest that this variant may create or strengthen a splice site. This variant has not been reported in the literature in individuals affected with SEPT9-related conditions. This sequence change falls in intron 10 of the SEPT9 gene. It does not directly change the encoded amino acid sequence of the SEPT9 protein.

NM_001113491.2(SEPTIN9):c.1626-18C>A

Gene: SEPTIN9 (septin 9; plus strand). Cytogenetic location: 17q25.3.
Variant type: single nucleotide variant.
Coding change: c.1626-18C>A on transcript NM_001113491.2 (MANE Select); 18 bases into the intron before coding-DNA position 1626, C replaced by A.
Molecular consequence: intron variant.
Genome position (GRCh38, 1-based): chr17:77,498,505, C>A. VCF-style: chr17-77498505-C-A. GRCh37 (hg19) VCF-style: chr17-75494587-C-A.
Other names: c.1569-18C>A (NM_001293695.2); c.1134-18C>A (NM_001113492.2, NM_001113494.1); c.1572-18C>A (NM_006640.5); c.1605-18C>A (NM_001113493.2); c.954-18C>A (NM_001293696.2); c.873-18C>A (NM_001113496.2, NM_001293697.2, NM_001293698.2 and 1 more transcripts).
Identifiers: ClinVar variation 2445590 (VCV002445590.4), dbSNP rs747392038, ClinGen allele CA2580095232.